The following is an entry in ClinVar:

NM_001358351.3(SEMA6D):c.1899T>C (p.Ser633=)

Gene: SEMA6D (semaphorin 6D; plus strand). Cytogenetic location: 15q21.1.
Variant type: single nucleotide variant.
Coding change: c.1899T>C on transcript NM_001358351.3 (MANE Select); coding-DNA position 1899, T replaced by C.
Protein change: p.Ser633=; no amino-acid change (serine 633 retained).
Molecular consequence: synonymous variant. On other transcripts: intron variant (5).
Genome position (GRCh38, 1-based): chr15:47,768,714, T>C. VCF-style: chr15-47768714-T-C. GRCh37 (hg19) VCF-style: chr15-48060911-T-C.
Other names: c.1938T>C, p.Ser646= (NM_001358352.2); c.1899T>C, p.Ser633= (NM_153618.2); c.1748-1783T>C (NM_001198999.2, NM_020858.2); c.1765+1621T>C (NM_153617.2); c.1709-1783T>C (NM_153616.2); c.1743+99T>C (NM_153619.1).
Identifiers: ClinVar variation 2645308 (VCV002645308.24), dbSNP rs749355149, ClinGen allele CA7545456.

ClinVar aggregate classification (germline): Likely benign (1 of 4 stars; one submission).

Allele frequency attached by ClinVar (database versions not stated): TOPMed below 0.00001; gnomAD exomes 0.00001; ExAC 0.00002; gnomAD 0.00004.
gnomAD v4.1: 23 of 1,613,382 alleles (0.0014%); highest among the groups gnomAD compares: East Asian, 0.0022%; no homozygotes.

Submission:

CeGaT Center for Human Genetics Tuebingen
Classification: Likely benign. Last evaluated: 2023-03-01. Review status: criteria provided, single submitter. Criteria: CeGaT Center For Human Genetics Tuebingen Variant Classification Criteria Version 2. Collection method: clinical testing. Allele origin: germline. Affected: yes. Observed: 1 variant allele.
Comment: SEMA6D: BP4, BP7